The following is an entry in ClinVar:

ClinVar aggregate classification (germline): Uncertain significance (1 of 4 stars; one submission).

Conditions:
Cardiovascular phenotype. Identifiers: MedGen CN230736.

gnomAD v4.1: 8 of 1,613,582 alleles (0.0005%); highest among the groups gnomAD compares: South Asian, 0.0077%; no homozygotes.

Submission:

Ambry Genetics
Classification: Uncertain significance for Cardiovascular phenotype. Last evaluated: 2025-07-13. Review status: criteria provided, single submitter. Criteria: Ambry Variant Classification Scheme 2023. Collection method: clinical testing. Allele origin: germline.
Comment: The p.R3026C variant (also known as c.9076C>T), located in coding exon 25 of the TNXB gene, results from a C to T substitution at nucleotide position 9076. The arginine at codon 3026 is replaced by cysteine, an amino acid with highly dissimilar properties. This amino acid position is conserved. In addition, this alteration is predicted to be tolerated by in silico analysis. Based on the available evidence, the clinical significance of this variant remains unclear.

NM_001365276.2(TNXB):c.9082C>T (p.Arg3028Cys)

Gene: TNXB (tenascin XB; minus strand). Cytogenetic location: 6p21.33.
Variant type: single nucleotide variant.
Coding change: c.9082C>T on transcript NM_001365276.2 (MANE Select); coding-DNA position 9082, C replaced by T.
Protein change: p.Arg3028Cys; replaces arginine 3028 with cysteine.
Molecular consequence: missense variant.
Genome position (GRCh38, 1-based): chr6:32,052,703, G>A on the plus strand (C>T on the coding strand, the complement: TNXB is on the minus strand). VCF-style: chr6-32052703-G-A. GRCh37 (hg19) VCF-style: chr6-32020480-G-A.
Other names: c.9823C>T, p.Arg3275Cys (NM_001428335.1); c.9076C>T, p.Arg3026Cys (NM_019105.8); short protein forms R3026C, R3028C, R3275C.
Identifiers: ClinVar variation 4188693 (VCV004188693.1).